The following is an entry in ClinVar:

ClinVar aggregate classification (germline): Uncertain significance (1 of 4 stars; one submission).

Conditions:
Cardiovascular phenotype. Identifiers: MedGen CN230736.

Allele frequency attached by ClinVar (database versions not stated): gnomAD exomes below 0.00001.
gnomAD v4.1: 1 of 1,613,836 alleles (0.000062%); highest among the groups gnomAD compares: South Asian, 0.0011%; no homozygotes.

Submission:

Ambry Genetics
Classification: Uncertain significance for Cardiovascular phenotype. Last evaluated: 2020-09-15. Review status: criteria provided, single submitter. Criteria: Ambry Variant Classification Scheme 2023. Collection method: clinical testing. Allele origin: germline.
Comment: The p.D4241G variant (also known as c.12722A>G), located in coding exon 44 of the TTN gene, results from an A to G substitution at nucleotide position 12722. The aspartic acid at codon 4241 is replaced by glycine, an amino acid with similar properties. This amino acid position is not well conserved in available vertebrate species, and glycine is the reference amino acid in other vertebrate species. In addition, this alteration is predicted to be tolerated by in silico analysis. Since supporting evidence is limited at this time, the clinical significance of this alteration remains unclear.

NM_001267550.2(TTN):c.13811A>G (p.Asp4604Gly)

Gene: TTN (titin; minus strand). Cytogenetic location: 2q31.2.
Variant type: single nucleotide variant.
Coding change: c.13811A>G on transcript NM_001267550.2 (MANE Select); coding-DNA position 13811, A replaced by G.
Protein change: p.Asp4604Gly; replaces aspartic acid 4604 with glycine.
Molecular consequence: missense variant. On other transcripts: intron variant (1).
Genome position (GRCh38, 1-based): chr2:178,739,422, T>C on the plus strand (A>G on the coding strand, the complement: TTN is on the minus strand). VCF-style: chr2-178739422-T-C. GRCh37 (hg19) VCF-style: chr2-179604149-T-C.
Other names: c.12860A>G, p.Asp4287Gly (NM_001256850.1); c.12722A>G, p.Asp4241Gly (NM_003319.4); c.13097A>G, p.Asp4366Gly (NM_133432.3); c.13298A>G, p.Asp4433Gly (NM_133437.4); c.10361-1062A>G (NM_133378.4); short protein forms D4241G, D4366G, D4433G, D4604G, D4287G.
Identifiers: ClinVar variation 1765642 (VCV001765642.2), dbSNP rs2530603605, ClinGen allele CA349606376.